The following continues an entry in ClinVar:

NM_005359.6(SMAD4):c.354G>A (p.Ala118=)

Gene: SMAD4. ClinVar aggregate classification (germline): Benign/Likely benign. Benign (12); Likely benign (7).

Submissions 23 to 27 of 27:

Department of Pathology and Laboratory Medicine, Sinai Health System
Classification: Likely benign for Carcinoma of colon. Review status: no assertion criteria provided. Collection method: clinical testing. Allele origin: unknown. Affected: yes. Observed: 1 variant allele. Study: The Canadian Open Genetics Repository (COGR). Not counted in ClinVar's aggregate classification.
Comment: The SMAD4 p.Ala118= variant was identified in 1 of 140 proband chromosomes (frequency: 0.007) from individuals or families with Juvenile polyposis syndrome (Pyatt 2006). The variant was also identified in dbSNP (ID: rs145988618) as "With other allele", ClinVar (classified as benign by Invitae, GeneDx, and ARUP; as likely benign by 7 submitters), Cosmic (2X in large intestine tissue), LOVD 3.0 (4x as benign or likely benign), and in ARUP Laboratories (as benign). The variant was identified in control databases in 768 of 277174 chromosomes (3 homozygous) at a frequency of 0.003 increasing the likelihood this could be a low frequency benign variant (Genome Aggregation Database Feb 27, 2017). The variant was observed in the following populations: African in 23 of 24032 chromosomes (freq: 0.0009), Other in 13 of 6462 chromosomes (freq: 0.002), Latino in 21 of 34418 chromosomes (freq: 0.0006), European in 572 of 126678 chromosomes (freq: 0.005), Ashkenazi Jewish in 3 of 10150 chromosomes (freq: 0.0003), Finnish in 132 of 25786 chromosomes (freq: 0.005), and South Asian in 4 of 30782 chromosomes (freq: 0.0001); it was not observed in the East Asian, population. The p.Ala118= variant is not expected to have clinical significance because it does not result in a change of amino acid and is not located in a known consensus splice site. In addition, in silico or computational prediction software programs (SpliceSiteFinder, MaxEntScan, NNSPLICE, GeneSplicer) do not predict a difference in splicing. In summary, based on the above information the clinical significance of this variant cannot be determined with certainty at this time although we would lean towards a more benign role for this variant. This variant is classified as likely benign.

Diagnostic Laboratory, Department of Genetics, University Medical Center Groningen
Classification: Likely benign. Review status: no assertion criteria provided. Collection method: clinical testing. Allele origin: germline. Affected: yes. Study: VKGL Data-share Consensus. Not counted in ClinVar's aggregate classification.

Genome Diagnostics Laboratory, Amsterdam University Medical Center
Classification: Benign. Review status: no assertion criteria provided. Collection method: clinical testing. Allele origin: germline. Affected: yes. Study: VKGL Data-share Consensus. Not counted in ClinVar's aggregate classification.

Joint Genome Diagnostic Labs from Nijmegen and Maastricht, Radboudumc and MUMC+
Classification: Likely benign. Review status: no assertion criteria provided. Collection method: clinical testing. Allele origin: germline. Affected: yes. Study: VKGL Data-share Consensus. Not counted in ClinVar's aggregate classification.

Mayo Clinic Laboratories, Mayo Clinic
Classification: Likely benign. Review status: no assertion criteria provided. Collection method: clinical testing. Allele origin: unknown. Not counted in ClinVar's aggregate classification.

Literature cited by the submitters: PubMed 27613157 (cited by Quest Diagnostics Nichols Institute San Juan Capistrano); PubMed 22875147 (cited by Quest Diagnostics Nichols Institute San Juan Capistrano); PubMed 16436638 (cited by Quest Diagnostics Nichols Institute San Juan Capistrano).